The following is an entry in ClinVar:

NM_015692.5(CPAMD8):c.3658G>A (p.Ala1220Thr)

Gene: CPAMD8 (C3 and PZP like alpha-2-macroglobulin domain containing 8; minus strand). Cytogenetic location: 19p13.11.
Variant type: single nucleotide variant.
Coding change: c.3658G>A on transcript NM_015692.5 (MANE Select); coding-DNA position 3658, G replaced by A.
Protein change: p.Ala1220Thr; replaces alanine 1220 with threonine.
Molecular consequence: missense variant.
Genome position (GRCh38, 1-based): chr19:16,914,785, C>T on the plus strand (G>A on the coding strand, the complement: CPAMD8 is on the minus strand). VCF-style: chr19-16914785-C-T. GRCh37 (hg19) VCF-style: chr19-17025595-C-T.
Other names: short protein forms A1220T.
Identifiers: ClinVar variation 778826 (VCV000778826.10), dbSNP rs57249432, ClinGen allele CA9284913.

ClinVar aggregate classification (germline): Benign. Review status: criteria provided, multiple submitters, no conflicts (2 of 4 stars). 2 submissions from 2 submitters: Benign (2). Last evaluated 2026-04-01.

Conditions:
CPAMD8-related disorder. Also called: CPAMD8-related condition.

Allele frequency attached by ClinVar (database versions not stated): gnomAD exomes 0.00081; ESP Exome Variant Server 0.00628; gnomAD 0.00638 and 0.00682; 1000 Genomes Project 0.00679; TOPMed 0.00715; 1000 Genomes Project 30x 0.00812.
gnomAD v4.1: 2,234 of 1,613,060 alleles (0.14%); highest among the groups gnomAD compares: African/African-American, 2.2%; 23 homozygotes.

Submissions (2):

PreventionGenetics, part of Exact Sciences
Classification: Benign for CPAMD8-related condition. Last evaluated: 2026-04-01. Review status: criteria provided, single submitter. Criteria: ACMG Guidelines, 2015. Collection method: clinical testing. Allele origin: germline.
Comment: This variant is classified as benign based on ACMG/AMP sequence variant interpretation guidelines (Richards et al. 2015 PMID: 25741868, with internal and published modifications).

Labcorp Genetics (formerly Invitae), Labcorp
Classification: Benign. Last evaluated: 2026-01-16. Review status: criteria provided, single submitter. Criteria: Invitae Variant Classification Sherloc (09022015). Collection method: clinical testing. Allele origin: germline.